The following is an entry in ClinVar:

NM_001042492.3(NF1):c.4382T>G (p.Met1461Arg)

Gene: NF1 (neurofibromin 1; plus strand). Cytogenetic location: 17q11.2.
Variant type: single nucleotide variant.
Coding change: c.4382T>G on transcript NM_001042492.3 (MANE Select); coding-DNA position 4382, T replaced by G.
Protein change: p.Met1461Arg; replaces methionine 1461 with arginine.
Molecular consequence: missense variant.
Genome position (GRCh38, 1-based): chr17:31,259,081, T>G. VCF-style: chr17-31259081-T-G. GRCh37 (hg19) VCF-style: chr17-29586099-T-G.
Other names: c.4319T>G, p.Met1440Arg (NM_000267.4); short protein forms M1440R, M1461R.
Identifiers: ClinVar variation 837385 (VCV000837385.11), dbSNP rs754639587, ClinGen allele CA398998851.

ClinVar aggregate classification (germline): Conflicting classifications of pathogenicity. Review status: criteria provided, conflicting classifications (1 of 4 stars). 4 submissions from 4 submitters: Pathogenic (1); Likely pathogenic (1); Uncertain significance (2). Last evaluated 2026-07-28.

Conditions:
Cardiovascular phenotype. Identifiers: MedGen CN230736.
Hereditary cancer-predisposing syndrome. Also called: Neoplastic Syndromes, Hereditary; Hereditary Cancer Syndrome; Tumor predisposition; Hereditary neoplastic syndrome. Identifiers: Orphanet 140162, MedGen C0027672, MeSH D009386, MONDO:0015356.
NF1-related disorder. Also called: NF1-related condition. Identifiers: MedGen CN379171.
Neurofibromatosis, type 1 (NF1). Also called: Neurofibromatosis, type I; VON RECKLINGHAUSEN DISEASE; Peripheral type neurofibromatosis; NEUROFIBROMATOSIS, TYPE I, SOMATIC. Identifiers: Orphanet 636, MedGen C0027831, MONDO:0018975, OMIM 162200. Disease mechanism: loss of function.

Submissions (4):

GeneDx
Classification: Likely pathogenic. Last evaluated: 2026-07-28. Review status: criteria provided, single submitter. Criteria: GeneDx Variant Classification Process June 2021. Collection method: clinical testing. Allele origin: germline.
Comment: Has not been previously published as pathogenic or benign to our knowledge; Not observed at significant frequency in large population cohorts (gnomAD); In silico analysis supports that this missense variant has a deleterious effect on protein structure/function; This variant is associated with the following publications: (PMID: 23656349, 21520333, 39669619, 25486365, 22807134)

Labcorp Genetics (formerly Invitae), Labcorp
Classification: Pathogenic for Neurofibromatosis, type 1. Last evaluated: 2025-11-17. Review status: criteria provided, single submitter. Criteria: Invitae Variant Classification Sherloc (09022015). Collection method: clinical testing. Allele origin: germline.
Comment: This sequence change replaces methionine, which is neutral and non-polar, with arginine, which is basic and polar, at codon 1440 of the NF1 protein (p.Met1440Arg). This variant is not present in population databases (gnomAD no frequency). This missense change has been observed in individual(s) with NF1-related conditions (PMID: 21520333; internal data). Invitae Evidence Modeling of clinical and family history, age, sex, and reported ancestry of multiple individuals with this NF1 variant has been performed. This variant is expected to be pathogenic with a positive predictive value of at least 99%. This is a validated machine learning model that incorporates the clinical features of 1,785,918 individuals referred to our laboratory for NF1 testing. ClinVar contains an entry for this variant (Variation ID: 837385). Invitae Evidence Modeling of protein sequence and biophysical properties (such as structural, functional, and spatial information, amino acid conservation, physicochemical variation, residue mobility, and thermodynamic stability) indicates that this missense variant is expected to disrupt NF1 protein function with a positive predictive value of 95%. This variant disrupts the p.Met1440 amino acid residue in NF1. Other variant(s) that disrupt this residue have been determined to be pathogenic (PMID: 24789688, 25074460, 28961165; internal data). This suggests that this residue is clinically significant, and that variants that disrupt this residue are likely to be disease-causing. For these reasons, this variant has been classified as Pathogenic.

PreventionGenetics, part of Exact Sciences
Classification: Uncertain significance for NF1-related condition. Last evaluated: 2025-04-16. Review status: criteria provided, single submitter. Criteria: ACMG Guidelines, 2015. Collection method: clinical testing. Allele origin: germline.
Comment: The NF1 c.4382T>G variant is predicted to result in the amino acid substitution p.Met1461Arg. This variant is referred to as c.4319T>G (p.Met1440Arg) in the alternate transcript NM_000267. It has been reported in at least one individual with a diagnosis or clinical features consistent with neurofibromatosis (van Minkelen. 2014. PubMed ID: 23656349). Alternate missense changes at the same amino acid position (p.Met1440Val, p.Met1440Thr, p.Met1440Lys) have been reported in multiple individuals affected with NF1-related disease (Xu et al. 2014. PubMed ID: 24789688; Table S3, Pasmant et al. 2015. PubMed ID: 25074460; Table S1 and S2, Bonatti. 2017. PubMed ID: 28961165). This variant has not been reported in a large population database, indicating this variant is rare. This variant has conflicting classifications listed in ClinVar ranging from uncertain to likely pathogenic. Although we suspect that this variant may be pathogenic, at this time, the clinical significance of this variant is uncertain due to the absence of conclusive functional and genetic evidence.

Ambry Genetics
Classification: Uncertain significance for Cardiovascular phenotype; Hereditary cancer-predisposing syndrome. Last evaluated: 2023-04-13. Review status: criteria provided, single submitter. Criteria: Ambry Variant Classification Scheme 2023. Collection method: clinical testing. Allele origin: germline.
Comment: The p.M1440R variant (also known as c.4319T>G), located in coding exon 32 of the NF1 gene, results from a T to G substitution at nucleotide position 4319. The methionine at codon 1440 is replaced by arginine, an amino acid with similar properties. This amino acid position is highly conserved in available vertebrate species. In addition, this alteration is predicted to be deleterious by in silico analysis. Since supporting evidence is limited at this time, the clinical significance of this alteration remains unclear.

Literature cited by the submitters: PubMed 21520333 (cited by Labcorp Genetics (formerly Invitae), Labcorp); PubMed 24789688 (cited by Labcorp Genetics (formerly Invitae), Labcorp); PubMed 25074460 (cited by Labcorp Genetics (formerly Invitae), Labcorp); PubMed 28961165 (cited by Labcorp Genetics (formerly Invitae), Labcorp).